The following is an entry in ClinVar:

NM_006206.6(PDGFRA):c.2266G>T (p.Asp756Tyr)

Gene: PDGFRA (platelet derived growth factor receptor alpha; plus strand). Cytogenetic location: 4q12.
Variant type: single nucleotide variant.
Coding change: c.2266G>T on transcript NM_006206.6 (MANE Select); coding-DNA position 2266, G replaced by T.
Protein change: p.Asp756Tyr; replaces aspartic acid 756 with tyrosine.
Molecular consequence: missense variant.
Genome position (GRCh38, 1-based): chr4:54,280,425, G>T. VCF-style: chr4-54280425-G-T. GRCh37 (hg19) VCF-style: chr4-55146592-G-T.
Other names: c.2266G>T, p.Asp756Tyr (NM_001347827.2, NM_001347829.2); c.2341G>T, p.Asp781Tyr (NM_001347828.2); c.2305G>T, p.Asp769Tyr (NM_001347830.2); c.2266G>T (NM_006206.4); short protein forms D756Y, D769Y, D781Y.
Identifiers: ClinVar variation 1019626 (VCV001019626.10), dbSNP rs555347387, ClinGen allele CA356894437.
Genomic context (GRCh38, chr4:54,280,425, plus strand): 5'-CAGGCTGATACTACACAGTATGTCCCCATGCTAGAAAGGAAAGAGGTTTCTAAATATTCC[G>T]ACATCCAGAGATCACTCTATGATCGTCCAGCCTCATATAAGAAGAAATCTATGTTAGGTA-3'
Protein context (NP_006197.1, residues 746-766): LERKEVSKYS[Asp756Tyr]IQRSLYDRPA

ClinVar aggregate classification (germline): Uncertain significance. Review status: criteria provided, multiple submitters, no conflicts (2 of 4 stars). 2 submissions from 2 submitters: Uncertain significance (2). Last evaluated 2024-03-02.

Conditions:
Hereditary cancer-predisposing syndrome. Also called: Tumor predisposition; Neoplastic Syndromes, Hereditary; Hereditary neoplastic syndrome; Hereditary Cancer Syndrome. Identifiers: Orphanet 140162, MedGen C0027672, MeSH D009386, MONDO:0015356.
Gastrointestinal stromal tumor. Also called: Gastrointestinal stromal tumor, somatic; Gastrointestinal stroma tumor. Identifiers: Orphanet 44890, MedGen C0238198, MeSH D046152, MONDO:0011719, OMIM 606764, HP:0100723.

Submissions (2):

Ambry Genetics
Classification: Uncertain significance for Hereditary cancer-predisposing syndrome. Last evaluated: 2024-03-02. Review status: criteria provided, single submitter. Criteria: Ambry Variant Classification Scheme 2023. Collection method: clinical testing. Allele origin: germline.
Comment: The p.D756Y variant (also known as c.2266G>T), located in coding exon 15 of the PDGFRA gene, results from a G to T substitution at nucleotide position 2266. The aspartic acid at codon 756 is replaced by tyrosine, an amino acid with highly dissimilar properties. This amino acid position is conserved. In addition, this alteration is predicted to be deleterious by in silico analysis. Based on the available evidence, the clinical significance of this alteration remains unclear.

Labcorp Genetics (formerly Invitae), Labcorp
Classification: Uncertain significance for Gastrointestinal stromal tumor. Last evaluated: 2022-03-08. Review status: criteria provided, single submitter. Criteria: Invitae Variant Classification Sherloc (09022015). Collection method: clinical testing. Allele origin: germline.
Comment: In summary, the available evidence is currently insufficient to determine the role of this variant in disease. Therefore, it has been classified as a Variant of Uncertain Significance. Algorithms developed to predict the effect of missense changes on protein structure and function are either unavailable or do not agree on the potential impact of this missense change (SIFT: "Deleterious"; PolyPhen-2: "Probably Damaging"; Align-GVGD: "Class C15"). ClinVar contains an entry for this variant (Variation ID: 1019626). This variant has not been reported in the literature in individuals affected with PDGFRA-related conditions. This variant is not present in population databases (gnomAD no frequency). This sequence change replaces aspartic acid, which is acidic and polar, with tyrosine, which is neutral and polar, at codon 756 of the PDGFRA protein (p.Asp756Tyr).